The following is an entry in ClinVar:

NM_001710.6(CFB):c.1408+11A>C

Gene: CFB (complement factor B; plus strand). Cytogenetic location: 6p21.33.
Variant type: single nucleotide variant.
Coding change: c.1408+11A>C on transcript NM_001710.6 (MANE Select); 11 bases into the intron after coding-DNA position 1408, A replaced by C.
Molecular consequence: intron variant.
Genome position (GRCh38, 1-based): chr6:31,949,568, A>C. VCF-style: chr6-31949568-A-C. GRCh37 (hg19) VCF-style: chr6-31917345-A-C.
Identifiers: ClinVar variation 1625874 (VCV001625874.11), dbSNP rs149691793, ClinGen allele CA3728318.

ClinVar aggregate classification (germline): Likely benign. Review status: criteria provided, multiple submitters, no conflicts (2 of 4 stars). 4 submissions from 4 submitters: Likely benign (4). Last evaluated 2026-09-17.

Conditions:
Atypical hemolytic-uremic syndrome. Identifiers: Orphanet 2134, MedGen C2931788, MONDO:0016244.

Allele frequency attached by ClinVar (database versions not stated): gnomAD exomes 0.00001; ExAC 0.00002; gnomAD 0.00009 and 0.00018; TOPMed 0.00009; 1000 Genomes Project 30x 0.00047; 1000 Genomes Project 0.00060.
gnomAD v4.1: 46 of 1,612,926 alleles (0.0029%); highest among the groups gnomAD compares: African/African-American, 0.052%; 4 homozygotes.

Submissions (4):

Genomenon, Inc
Classification: Likely benign for Atypical hemolytic-uremic syndrome. Last evaluated: 2026-09-17. Review status: criteria provided, single submitter. Criteria: Genomenon Sequence Variant Interpretation Standards - Updated. Collection method: curation. Allele origin: germline. Affected: yes.
Comment: CFB c.1408+11A>C is an intronic variant located in intron 10. This variant has been observed in at least one proband affected with atypical hemolytic-uremic syndrome (PMID:30194615). It is absent or not present at a significant frequency in gnomAD. This variant is not predicted to impact splicing. In conclusion, we classify CFB c.1408+11A>C as a likely benign variant.

Women's Health and Genetics/Laboratory Corporation of America, LabCorp
Classification: Likely benign. Last evaluated: 2026-01-22. Review status: criteria provided, single submitter. Criteria: LabCorp Variant Classification Summary - May 2015. Collection method: clinical testing. Allele origin: germline.

Labcorp Genetics (formerly Invitae), Labcorp
Classification: Likely benign. Last evaluated: 2024-12-16. Review status: criteria provided, single submitter. Criteria: Invitae Variant Classification Sherloc (09022015). Collection method: clinical testing. Allele origin: germline.

Blueprint Genetics
Classification: Likely benign. Last evaluated: 2022-10-14. Review status: criteria provided, single submitter. Criteria: ACMG Guidelines, 2015. Collection method: clinical testing. Allele origin: germline.

Literature cited by the submitters: PubMed 30194615 (cited by Genomenon, Inc).